The following is an entry in ClinVar:

ClinVar aggregate classification (germline): Uncertain significance (1 of 4 stars; one submission).

Conditions:
Brugada syndrome 8 (BRGDA8). Identifiers: Orphanet 130, MedGen C2751083, MONDO:0013148, OMIM 613123.

Submission:

Labcorp Genetics (formerly Invitae), Labcorp
Classification: Uncertain significance for Brugada syndrome 8. Last evaluated: 2022-11-14. Review status: criteria provided, single submitter. Criteria: Invitae Variant Classification Sherloc (09022015). Collection method: clinical testing. Allele origin: germline.
Comment: In summary, the available evidence is currently insufficient to determine the role of this variant in disease. Therefore, it has been classified as a Variant of Uncertain Significance. Advanced modeling of protein sequence and biophysical properties (such as structural, functional, and spatial information, amino acid conservation, physicochemical variation, residue mobility, and thermodynamic stability) performed at Invitae indicates that this missense variant is not expected to disrupt HCN4 protein function. This variant has not been reported in the literature in individuals affected with HCN4-related conditions. This variant is not present in population databases (gnomAD no frequency). This sequence change replaces arginine, which is basic and polar, with proline, which is neutral and non-polar, at codon 11 of the HCN4 protein (p.Arg11Pro).

NM_005477.3(HCN4):c.32G>C (p.Arg11Pro)

Gene: HCN4 (hyperpolarization activated cyclic nucleotide gated potassium channel 4; minus strand). Cytogenetic location: 15q24.1.
Variant type: single nucleotide variant.
Coding change: c.32G>C on transcript NM_005477.3 (MANE Select); coding-DNA position 32, G replaced by C.
Protein change: p.Arg11Pro; replaces arginine 11 with proline.
Molecular consequence: missense variant.
Genome position (GRCh38, 1-based): chr15:73,368,239, C>G on the plus strand (G>C on the coding strand, the complement: HCN4 is on the minus strand). VCF-style: chr15-73368239-C-G. GRCh37 (hg19) VCF-style: chr15-73660580-C-G.
Other names: short protein forms R11P.
Identifiers: ClinVar variation 2975900 (VCV002975900.1), dbSNP rs2549080759, ClinGen allele CA393099234.